The following is an entry in ClinVar:

ClinVar aggregate classification (germline): Likely benign. Review status: reviewed by expert panel (3 of 4 stars). 17 submissions from 17 submitters: Likely benign (1). 16 of the submissions do not count toward it. Last evaluated 2023-08-17.

Conditions:
CDH1-related diffuse gastric and lobular breast cancer syndrome. Also called: CDH1-related diffuse gastric and lobular breast cancer. Identifiers: MedGen CN311521, MONDO:0100488.
CDH1-related disorder. Also called: CDH1-related condition.
Ovarian cancer. Also called: OVARIAN CANCER, SOMATIC. Identifiers: Orphanet 213500, MedGen C1140680, MONDO:0008170, OMIM 167000.
Familial cancer of breast. Also called: hereditary breast carcinoma; BREAST CANCER, FAMILIAL; Hereditary breast cancer. Identifiers: Orphanet 227535, MedGen C0346153, MONDO:0016419, OMIM 114480. Disease mechanism: loss of function.
Hereditary cancer-predisposing syndrome. Also called: Tumor predisposition; Neoplastic Syndromes, Hereditary; Hereditary Cancer Syndrome; Hereditary neoplastic syndrome. Identifiers: Orphanet 140162, MedGen C0027672, MeSH D009386, MONDO:0015356.
Breast and/or ovarian cancer. Identifiers: MedGen CN221562.
Hereditary diffuse gastric adenocarcinoma (HDGC). Also called: DIFFUSE GASTRIC AND LOBULAR BREAST CANCER SYNDROME. Identifiers: Orphanet 26106, MedGen C1708349, MONDO:0007648, OMIM 137215.

Allele frequency attached by ClinVar (database versions not stated): gnomAD exomes 0.00006 and 0.00015; ExAC 0.00007; TOPMed 0.00009; gnomAD 0.00010 and 0.00011; ESP Exome Variant Server 0.00015.
gnomAD v4.1: 229 of 1,614,094 alleles (0.014%); highest among the groups gnomAD compares: East Asian, 0.018%; 1 homozygote.

Submissions (17):

Clingen Gastric Cancer Variant Curation Expert Panel
Classification: Likely benign for CDH1-related diffuse gastric and lobular breast cancer syndrome. Last evaluated: 2023-08-17. Review status: reviewed by expert panel. Criteria: ClinGen CDH1 ACMG Specifications V3.1. Collection method: curation. Allele origin: germline. Inheritance: Autosomal dominant inheritance.
Comment: The c.2451G>A variant is predicted silent and has been observed in >10 individuals without a diagnosis of diffuse gastric cancer, signet ring tumor or lobular breast cancer and whose family histories do not suggest HDGC (BS2; internal laboratory contributors). The nucleotide is not conserved (BP7). Therefore, this variant meets criteria to be classified as likely benign. ACMG/AMP criteria applied, as specified by the CDH1 Variant Curation Expert Panel (Variant Interpretation Guidelines Version 3.1): BS2, BP7.

Labcorp Genetics (formerly Invitae), Labcorp
Classification: Likely benign for Hereditary diffuse gastric adenocarcinoma. Last evaluated: 2026-02-04. Review status: criteria provided, single submitter. Criteria: Invitae Variant Classification Sherloc (09022015). Collection method: clinical testing. Allele origin: germline. Not counted in ClinVar's aggregate classification.

Blueprint Genetics
Classification: Likely benign. Last evaluated: 2024-08-13. Review status: criteria provided, single submitter. Criteria: ACMG Guidelines, 2015. Collection method: clinical testing. Allele origin: germline. Not counted in ClinVar's aggregate classification.

Department of Pathology and Laboratory Medicine, Sinai Health System
Classification: Likely benign for Familial cancer of breast; Ovarian cancer. Last evaluated: 2024-07-11. Review status: criteria provided, single submitter. Criteria: ACMG Guidelines, 2015. Collection method: clinical testing. Allele origin: germline. Affected: yes. Not counted in ClinVar's aggregate classification.

Myriad Genetics, Inc.
Classification: Benign for Hereditary diffuse gastric adenocarcinoma. Last evaluated: 2023-03-06. Review status: criteria provided, single submitter. Criteria: Myriad Autosomal Dominant, Autosomal Recessive and X-Linked Classification Criteria (2023). Collection method: clinical testing. Allele origin: unknown. Not counted in ClinVar's aggregate classification.
Comment: This variant is considered benign. This variant is a silent/synonymous amino acid change and it is not expected to impact splicing.

European Reference Network on Genetic Tumour Risk Syndromes (ERN-GENTURIS), i3s - Instituto de Investigação e Inovação em Saúde, University of Porto
Classification: Likely benign for Hereditary diffuse gastric adenocarcinoma. Last evaluated: 2022-08-01. Review status: criteria provided, single submitter. Criteria: Lee et al. (Hum Mutat. 2018). Collection method: clinical testing. Allele origin: germline. Inheritance: Autosomal dominant inheritance. Affected: no. Study: ERN GENTURIS. Not counted in ClinVar's aggregate classification.
Comment: BS2; BP7 (PMID: 30311375)

CeGaT Center for Human Genetics Tuebingen
Classification: Likely benign. Last evaluated: 2022-06-01. Review status: criteria provided, single submitter. Criteria: CeGaT Center For Human Genetics Tuebingen Variant Classification Criteria Version 2. Collection method: clinical testing. Allele origin: germline. Affected: yes. Observed: 1 variant allele. Not counted in ClinVar's aggregate classification.
Comment: CDH1: BP4, BP7

Sema4
Classification: Benign for Hereditary cancer-predisposing syndrome. Last evaluated: 2021-01-26. Review status: criteria provided, single submitter. Criteria: Sema4 Curation Guidelines. Collection method: curation. Allele origin: germline. Not counted in ClinVar's aggregate classification.

Quest Diagnostics Nichols Institute San Juan Capistrano
Classification: Benign. Last evaluated: 2019-12-05. Review status: criteria provided, single submitter. Criteria: Quest Diagnostics criteria. Collection method: clinical testing. Allele origin: unknown. Not counted in ClinVar's aggregate classification.

CHEO Genetics Diagnostic Laboratory, Children's Hospital of Eastern Ontario
Classification: Likely benign for Breast and/or ovarian cancer. Last evaluated: 2019-11-06. Review status: criteria provided, single submitter. Criteria: ACMG Guidelines, 2015. Collection method: clinical testing. Allele origin: germline. Not counted in ClinVar's aggregate classification.

Women's Health and Genetics/Laboratory Corporation of America, LabCorp
Classification: Benign. Last evaluated: 2019-03-28. Review status: criteria provided, single submitter. Criteria: LabCorp Variant Classification Summary - May 2015. Collection method: clinical testing. Allele origin: germline. Not counted in ClinVar's aggregate classification.
Comment: Variant summary: CDH1 c.2451G>A alters a non-conserved nucleotide resulting in a synonymous change. 5/5 computational tools predict no significant impact on normal splicing. However, these predictions have yet to be confirmed by functional studies. The variant allele was found at a frequency of 6.9e-05 in 277230 control chromosomes. The observed variant frequency is approximately 2.42 fold of the estimated maximal expected allele frequency for a pathogenic variant in CDH1 causing Hereditary Diffuse Gastric Cancer phenotype (2.8e-05), strongly suggesting that the variant is benign. To our knowledge, no occurrence of c.2451G>A in individuals affected with Hereditary Diffuse Gastric Cancer and no experimental evidence demonstrating its impact on protein function have been reported. Six ClinVar submissions from clinical diagnostic laboratories (evaluation after 2014) cites the variant five times as likely benign/benign and once as uncertain significance. Based on the evidence outlined above, the variant was classified as benign.

Illumina Laboratory Services, Illumina
Classification: Benign for Hereditary diffuse gastric adenocarcinoma. Last evaluated: 2018-01-13. Review status: criteria provided, single submitter. Criteria: ICSL Variant Classification Criteria 13 December 2019. Collection method: clinical testing. Allele origin: germline. Not counted in ClinVar's aggregate classification.
Comment: This variant was observed in the ICSL laboratory as part of a predisposition screen in an ostensibly healthy population. It had not been previously curated by ICSL or reported in the Human Gene Mutation Database (HGMD: prior to June 1st, 2018), and was therefore a candidate for classification through an automated scoring system. Utilizing variant allele frequency, disease prevalence and penetrance estimates, and inheritance mode, an automated score was calculated to assess if this variant is too frequent to cause the disease. Based on the score and internal cut-off values, a variant classified as benign is not then subjected to further curation. The score for this variant resulted in a classification of benign for this disease.

Color Diagnostics, LLC DBA Color Health
Classification: Likely benign for Hereditary cancer-predisposing syndrome. Last evaluated: 2015-10-16. Review status: criteria provided, single submitter. Criteria: ACMG Guidelines, 2015. Collection method: clinical testing. Allele origin: germline. Not counted in ClinVar's aggregate classification.

Ambry Genetics
Classification: Likely benign for Hereditary cancer-predisposing syndrome. Last evaluated: 2015-04-02. Review status: criteria provided, single submitter. Criteria: Ambry Variant Classification Scheme 2023. Collection method: clinical testing. Allele origin: germline. Not counted in ClinVar's aggregate classification.

GeneDx
Classification: Benign. Last evaluated: 2015-03-30. Review status: criteria provided, single submitter. Criteria: GeneDx Variant Classification (06012015). Collection method: clinical testing. Allele origin: germline. Affected: yes. Not counted in ClinVar's aggregate classification.
Comment: This variant is considered likely benign or benign based on one or more of the following criteria: it is a conservative change, it occurs at a poorly conserved position in the protein, it is predicted to be benign by multiple in silico algorithms, and/or has population frequency not consistent with disease.

PreventionGenetics, part of Exact Sciences
Classification: Likely benign for CDH1-related condition. Last evaluated: 2019-03-21. Review status: no assertion criteria provided. Collection method: clinical testing. Allele origin: germline. Not counted in ClinVar's aggregate classification.
Comment: This variant is classified as likely benign based on ACMG/AMP sequence variant interpretation guidelines (Richards et al. 2015 PMID: 25741868, with internal and published modifications).

Counsyl
Classification: Likely benign for Hereditary diffuse gastric adenocarcinoma. Last evaluated: 2017-05-02. Review status: no assertion criteria provided. Collection method: clinical testing. Allele origin: unknown. Not counted in ClinVar's aggregate classification.

Literature cited by the submitters: PubMed 36436516 (cited by European Reference Network on Genetic Tumour Risk Syndromes (ERN-GENTURIS), i3s - Instituto de Investigação e Inovação em Saúde, University of Porto).

NM_004360.5(CDH1):c.2451G>A (p.Ala817=)

Gene: CDH1 (cadherin 1; plus strand). Cytogenetic location: 16q22.1.
Variant type: single nucleotide variant.
Coding change: c.2451G>A on transcript NM_004360.5 (MANE Select); coding-DNA position 2451, G replaced by A.
Protein change: p.Ala817=; no amino-acid change (alanine 817 retained).
Molecular consequence: synonymous variant.
Genome position (GRCh38, 1-based): chr16:68,833,301, G>A. VCF-style: chr16-68833301-G-A. GRCh37 (hg19) VCF-style: chr16-68867204-G-A.
Other names: c.2451G>A (LRG_301t1); c.2268G>A, p.Ala756= (NM_001317184.2); c.903G>A, p.Ala301= (NM_001317185.2); c.486G>A, p.Ala162= (NM_001317186.2).
Identifiers: ClinVar variation 183842 (VCV000183842.57), dbSNP rs149450874, ClinGen allele CA186706.